The following is an entry in ClinVar:

ClinVar aggregate classification (germline): Uncertain significance. Review status: criteria provided, multiple submitters, no conflicts (2 of 4 stars). 2 submissions from 2 submitters: Uncertain significance (2). Last evaluated 2025-06-23.

Conditions:
Cardiovascular phenotype. Identifiers: MedGen CN230736.
Brugada syndrome. Also called: Sudden unexpected nocturnal death syndrome; Sudden unexplained nocturnal death syndrome; Sudden Unexplained Death Syndrome; Sudden Unexplained Nocturnal Death Syndrome (SUNDS). Identifiers: Orphanet 130, MedGen C1142166, MONDO:0015263.

Allele frequency attached by ClinVar (database versions not stated): gnomAD 0.00002; TOPMed 0.00002.
gnomAD v4.1: 11 of 1,611,026 alleles (0.00068%); highest among the groups gnomAD compares: Middle Eastern, 0.017%; no homozygotes.

Submissions (2):

Labcorp Genetics (formerly Invitae), Labcorp
Classification: Uncertain significance for Brugada syndrome. Last evaluated: 2025-06-23. Review status: criteria provided, single submitter. Criteria: Invitae Variant Classification Sherloc (09022015). Collection method: clinical testing. Allele origin: germline.
Comment: This sequence change replaces aspartic acid, which is acidic and polar, with asparagine, which is neutral and polar, at codon 974 of the CACNA2D1 protein (p.Asp974Asn). This variant is present in population databases (no rsID available, gnomAD 0.01%). This variant has not been reported in the literature in individuals affected with CACNA2D1-related conditions. ClinVar contains an entry for this variant (Variation ID: 1797712). An algorithm developed to predict the effect of missense changes on protein structure and function (PolyPhen-2) suggests that this variant is likely to be tolerated. In summary, the available evidence is currently insufficient to determine the role of this variant in disease. Therefore, it has been classified as a Variant of Uncertain Significance.

Ambry Genetics
Classification: Uncertain significance for Cardiovascular phenotype. Last evaluated: 2022-02-14. Review status: criteria provided, single submitter. Criteria: Ambry Variant Classification Scheme 2023. Collection method: clinical testing. Allele origin: germline.
Comment: The p.D974N variant (also known as c.2920G>A), located in coding exon 36 of the CACNA2D1 gene, results from a G to A substitution at nucleotide position 2920. The aspartic acid at codon 974 is replaced by asparagine, an amino acid with highly similar properties. This amino acid position is conserved. In addition, this alteration is predicted to be tolerated by in silico analysis. Since supporting evidence is limited at this time, the clinical significance of this alteration remains unclear.

NM_000722.4(CACNA2D1):c.2920G>A (p.Asp974Asn)

Gene: CACNA2D1 (calcium voltage-gated channel auxiliary subunit alpha2delta 1; minus strand). Cytogenetic location: 7q21.11.
Variant type: single nucleotide variant.
Coding change: c.2920G>A on transcript NM_000722.4 (MANE Select); coding-DNA position 2920, G replaced by A.
Protein change: p.Asp974Asn; replaces aspartic acid 974 with asparagine.
Molecular consequence: missense variant.
Genome position (GRCh38, 1-based): chr7:81,961,940, C>T on the plus strand (G>A on the coding strand, the complement: CACNA2D1 is on the minus strand). VCF-style: chr7-81961940-C-T. GRCh37 (hg19) VCF-style: chr7-81591256-C-T.
Other names: c.2956G>A, p.Asp986Asn (NM_001366867.1); short protein forms D986N, D974N.
Identifiers: ClinVar variation 1797712 (VCV001797712.3), dbSNP rs774285483, ClinGen allele CA367882101.